The following is an entry in ClinVar:

ClinVar aggregate classification (germline): Uncertain significance (1 of 4 stars; one submission).

Conditions:
Cardiovascular phenotype. Identifiers: MedGen CN230736.

gnomAD v4.1: 10 of 1,550,358 alleles (0.00065%); highest among the groups gnomAD compares: South Asian, 0.0036%; no homozygotes.

Submission:

Ambry Genetics
Classification: Uncertain significance for Cardiovascular phenotype. Last evaluated: 2022-04-03. Review status: criteria provided, single submitter. Criteria: Ambry Variant Classification Scheme 2023. Collection method: clinical testing. Allele origin: germline.
Comment: The p.Q1648P variant (also known as c.4943A>C), located in coding exon 2 of the ZNF469 gene, results from an A to C substitution at nucleotide position 4943. The glutamine at codon 1648 is replaced by proline, an amino acid with similar properties. This amino acid position is conserved. In addition, this alteration is predicted to be tolerated by in silico analysis. Since supporting evidence is limited at this time, the clinical significance of this alteration remains unclear.

NM_001367624.2(ZNF469):c.5027A>C (p.Gln1676Pro)

Gene: ZNF469 (zinc finger protein 469; plus strand). Cytogenetic location: 16q24.2.
Variant type: single nucleotide variant.
Coding change: c.5027A>C on transcript NM_001367624.2 (MANE Select); coding-DNA position 5027, A replaced by C.
Protein change: p.Gln1676Pro; replaces glutamine 1676 with proline.
Molecular consequence: missense variant.
Genome position (GRCh38, 1-based): chr16:88,432,497, A>C. VCF-style: chr16-88432497-A-C. GRCh37 (hg19) VCF-style: chr16-88498905-A-C.
Other names: NM_001127464.1:c.4943A>C; short protein forms Q1676P.
Identifiers: ClinVar variation 1744291 (VCV001744291.2), dbSNP rs2507589452, ClinGen allele CA397094931.